The following is an entry in ClinVar:

NM_015447.4(CAMSAP1):c.347G>A (p.Arg116Gln)

Gene: CAMSAP1 (calmodulin regulated spectrin associated protein 1; minus strand). Cytogenetic location: 9q34.3.
Variant type: single nucleotide variant.
Coding change: c.347G>A on transcript NM_015447.4 (MANE Select); coding-DNA position 347, G replaced by A.
Protein change: p.Arg116Gln; replaces arginine 116 with glutamine.
Molecular consequence: missense variant.
Genome position (GRCh38, 1-based): chr9:135,882,892, C>T on the plus strand (G>A on the coding strand, the complement: CAMSAP1 is on the minus strand). VCF-style: chr9-135882892-C-T. GRCh37 (hg19) VCF-style: chr9-138774738-C-T.
Other names: short protein forms R116Q.
Identifiers: ClinVar variation 774321 (VCV000774321.29), dbSNP rs187172909, ClinGen allele CA5329187.

ClinVar aggregate classification (germline): Likely benign. Review status: criteria provided, multiple submitters, no conflicts (2 of 4 stars). 3 submissions from 3 submitters: Likely benign (3). Last evaluated 2026-08-01.

Allele frequency attached by ClinVar (database versions not stated): 1000 Genomes Project 0.00120; 1000 Genomes Project 30x 0.00125; ExAC 0.00193; TOPMed 0.00255; gnomAD exomes 0.00256 and 0.00411; gnomAD 0.00290 and 0.00298; ESP Exome Variant Server 0.00438.
gnomAD v4.1: 6,093 of 1,551,652 alleles (0.39%); highest among the groups gnomAD compares: Non-Finnish European, 0.5%; 21 homozygotes.

Submissions (3):

CeGaT Center for Human Genetics Tuebingen
Classification: Likely benign. Last evaluated: 2026-08-01. Review status: criteria provided, single submitter. Criteria: CeGaT Center For Human Genetics Tuebingen Variant Classification Criteria Version 2. Collection method: clinical testing. Allele origin: germline. Affected: yes. Observed: 4 variant alleles.
Comment: CAMSAP1: BS2

Labcorp Genetics (formerly Invitae), Labcorp
Classification: Likely benign. Last evaluated: 2019-12-31. Review status: criteria provided, single submitter. Criteria: Invitae Variant Classification Sherloc (09022015). Collection method: clinical testing. Allele origin: germline.

Breakthrough Genomics
Classification: Likely benign. Review status: criteria provided, single submitter. Criteria: ACMG Guidelines, 2015. Collection method: not provided. Allele origin: germline. Inheritance: Unknown mechanism. Affected: yes.